The following is an entry in ClinVar:

NM_001004019.2(FBLN2):c.2109C>T (p.Ser703=)

Gene: FBLN2 (fibulin 2; plus strand). Cytogenetic location: 3p25.1.
Variant type: single nucleotide variant.
Coding change: c.2109C>T on transcript NM_001004019.2 (MANE Select); coding-DNA position 2109, C replaced by T.
Protein change: p.Ser703=; no amino-acid change (serine 703 retained).
Molecular consequence: synonymous variant.
Genome position (GRCh38, 1-based): chr3:13,619,785, C>T. VCF-style: chr3-13619785-C-T. GRCh37 (hg19) VCF-style: chr3-13661285-C-T.
Other names: c.2109C>T, p.Ser703= (NM_001165035.2, NM_001998.3).
Identifiers: ClinVar variation 2653575 (VCV002653575.24), dbSNP rs41293411, ClinGen allele CA2265704.

ClinVar aggregate classification (germline): Likely benign (1 of 4 stars; one submission).

Allele frequency attached by ClinVar (database versions not stated): ExAC 0.00012; 1000 Genomes Project 0.00020; gnomAD 0.00022; TOPMed 0.00022; 1000 Genomes Project 30x 0.00031; ESP Exome Variant Server 0.00040; gnomAD exomes 0.00041.
gnomAD v4.1: 627 of 1,613,030 alleles (0.039%); highest among the groups gnomAD compares: Non-Finnish European, 0.05%; 1 homozygote.

Submission:

CeGaT Center for Human Genetics Tuebingen
Classification: Likely benign. Last evaluated: 2022-08-01. Review status: criteria provided, single submitter. Criteria: CeGaT Center For Human Genetics Tuebingen Variant Classification Criteria Version 2. Collection method: clinical testing. Allele origin: germline. Affected: yes. Observed: 1 variant allele.
Comment: FBLN2: BP4, BP7